The following is an entry in ClinVar:

ClinVar aggregate classification (germline): Conflicting classifications of pathogenicity. Review status: criteria provided, conflicting classifications (1 of 4 stars). 6 submissions from 5 submitters: Uncertain significance (2); Likely benign (4). Last evaluated 2026-01-12.

Conditions:
Autosomal recessive nonsyndromic hearing loss 12. Also called: DEAFNESS, AUTOSOMAL RECESSIVE 12. Identifiers: Orphanet 90636, MedGen C1832394, MONDO:0011067, OMIM 601386.
Usher syndrome type 1D (USH1D). Also called: USHER SYNDROME, TYPE ID. Identifiers: Orphanet 231169, Orphanet 886, MedGen C1832845, MONDO:0010984, OMIM 601067.
CDH23-related disorder. Also called: CDH23-related condition; CDH23-related disorders.

Allele frequency attached by ClinVar (database versions not stated): gnomAD exomes 0.00001 and 0.00003; TOPMed 0.00001; gnomAD 0.00002; ExAC 0.00003; ESP Exome Variant Server 0.00016.
gnomAD v4.1: 51 of 1,611,030 alleles (0.0032%); highest among the groups gnomAD compares: Non-Finnish European, 0.0038%; no homozygotes.

Submissions (6):

Labcorp Genetics (formerly Invitae), Labcorp
Classification: Likely benign. Last evaluated: 2026-01-12. Review status: criteria provided, single submitter. Criteria: Invitae Variant Classification Sherloc (09022015). Collection method: clinical testing. Allele origin: germline.

CeGaT Center for Human Genetics Tuebingen
Classification: Likely benign. Last evaluated: 2025-10-01. Review status: criteria provided, single submitter. Criteria: CeGaT Center For Human Genetics Tuebingen Variant Classification Criteria Version 2. Collection method: clinical testing. Allele origin: germline. Affected: yes. Observed: 1 variant allele.
Comment: CDH23: BP4, BP7

PreventionGenetics, part of Exact Sciences
Classification: Likely benign for CDH23-related condition. Last evaluated: 2025-07-05. Review status: criteria provided, single submitter. Criteria: ACMG Guidelines, 2015. Collection method: clinical testing. Allele origin: germline.
Comment: This variant is classified as likely benign based on ACMG/AMP sequence variant interpretation guidelines (Richards et al. 2015 PMID: 25741868, with internal and published modifications).

Blueprint Genetics
Classification: Likely benign. Last evaluated: 2024-08-21. Review status: criteria provided, single submitter. Criteria: ACMG Guidelines, 2015. Collection method: clinical testing. Allele origin: germline.

Illumina Laboratory Services, Illumina
Classification: Uncertain significance for Autosomal recessive nonsyndromic hearing loss 12. Last evaluated: 2018-01-12. Review status: criteria provided, single submitter. Criteria: ICSL Variant Classification Criteria 13 December 2019. Collection method: clinical testing. Allele origin: germline.

Illumina Laboratory Services, Illumina
Classification: Uncertain significance for Usher syndrome type 1D. Last evaluated: 2018-01-12. Review status: criteria provided, single submitter. Criteria: ICSL Variant Classification Criteria 13 December 2019. Collection method: clinical testing. Allele origin: germline.

NM_022124.6(CDH23):c.9933G>A (p.Ser3311=)

Gene: CDH23 (cadherin related 23; plus strand). Cytogenetic location: 10q22.1.
Variant type: single nucleotide variant.
Coding change: c.9933G>A on transcript NM_022124.6 (MANE Select); coding-DNA position 9933, G replaced by A.
Protein change: p.Ser3311=; no amino-acid change (serine 3311 retained).
Molecular consequence: synonymous variant.
Genome position (GRCh38, 1-based): chr10:71,815,146, G>A. VCF-style: chr10-71815146-G-A. GRCh37 (hg19) VCF-style: chr10-73574903-G-A.
Other names: c.3213G>A, p.Ser1071= (NM_001171933.1); c.3108G>A, p.Ser1036= (NM_001171934.1); c.624G>A, p.Ser208= (NM_001171935.1); c.519G>A, p.Ser173= (NM_001171936.1).
Identifiers: ClinVar variation 879106 (VCV000879106.20), dbSNP rs367684899, ClinGen allele CA5547218.